The following is an entry in ClinVar:

ClinVar aggregate classification (germline): Uncertain significance (1 of 4 stars; one submission).

gnomAD v4.1: 11 of 1,613,382 alleles (0.00068%); highest among the groups gnomAD compares: South Asian, 0.0011%; no homozygotes.

Submission:

CeGaT Center for Human Genetics Tuebingen
Classification: Uncertain significance. Last evaluated: 2025-09-01. Review status: criteria provided, single submitter. Criteria: CeGaT Center For Human Genetics Tuebingen Variant Classification Criteria Version 2. Collection method: clinical testing. Allele origin: germline. Affected: yes. Observed: 1 variant allele.
Comment: PIK3CD: PM5, PM2:Supporting

NM_005026.5(PIK3CD):c.323G>A (p.Arg108His)

Gene: PIK3CD (phosphatidylinositol-4,5-bisphosphate 3-kinase catalytic subunit delta; plus strand). Cytogenetic location: 1p36.22.
Variant type: single nucleotide variant.
Coding change: c.323G>A on transcript NM_005026.5 (MANE Select); coding-DNA position 323, G replaced by A.
Protein change: p.Arg108His; replaces arginine 108 with histidine.
Molecular consequence: missense variant.
Genome position (GRCh38, 1-based): chr1:9,715,722, G>A. VCF-style: chr1-9715722-G-A. GRCh37 (hg19) VCF-style: chr1-9775780-G-A.
Other names: c.323G>A, p.Arg108His (NM_001350234.2, NM_001350235.1, NM_001437546.1 and 3 more transcripts); short protein forms R108H.
Identifiers: ClinVar variation 4281272 (VCV004281272.7).